The following is an entry in ClinVar:

NM_000173.7(GP1BA):c.1569C>T (p.Pro523=)

Gene: GP1BA (glycoprotein Ib platelet subunit alpha; plus strand). Cytogenetic location: 17p13.2.
Variant type: single nucleotide variant.
Coding change: c.1569C>T on transcript NM_000173.7 (MANE Select); coding-DNA position 1569, C replaced by T.
Protein change: p.Pro523=; no amino-acid change (proline 523 retained).
Molecular consequence: synonymous variant.
Genome position (GRCh38, 1-based): chr17:4,934,173, C>T. VCF-style: chr17-4934173-C-T. GRCh37 (hg19) VCF-style: chr17-4837468-C-T.
Other names: p.Pro523=.
Identifiers: ClinVar variation 4684183 (VCV004684183.1).

ClinVar aggregate classification (germline): Likely benign (1 of 4 stars; one submission).

Submission:

Mayo Clinic Laboratories, Mayo Clinic
Classification: Likely benign. Last evaluated: 2025-01-07. Review status: criteria provided, single submitter. Criteria: ACMG Guidelines, 2015. Collection method: clinical testing. Allele origin: germline. Observed: 1 variant allele.
Comment: BP4, BP7